The following is an entry in ClinVar:

ClinVar aggregate classification (germline): Uncertain significance (1 of 4 stars; one submission).

gnomAD v4.1: 1 of 1,610,338 alleles (0.000062%); highest among the groups gnomAD compares: Non-Finnish European, 0.000085%; no homozygotes.

Submission:

GeneDx
Classification: Uncertain significance. Last evaluated: 2025-02-04. Review status: criteria provided, single submitter. Criteria: GeneDx Variant Classification Process June 2021. Collection method: clinical testing. Allele origin: germline. Affected: yes.
Comment: Not observed at significant frequency in large population cohorts (gnomAD); In silico analysis supports that this missense variant has a deleterious effect on protein structure/function; Has not been previously published as pathogenic or benign to our knowledge

NM_000487.6(ARSA):c.1442G>T (p.Arg481Leu)

Gene: ARSA (arylsulfatase A; minus strand). Cytogenetic location: 22q13.33.
Variant type: single nucleotide variant.
Coding change: c.1442G>T on transcript NM_000487.6 (MANE Select); coding-DNA position 1442, G replaced by T.
Protein change: p.Arg481Leu; replaces arginine 481 with leucine.
Molecular consequence: missense variant.
Genome position (GRCh38, 1-based): chr22:50,625,233, C>A on the plus strand (G>T on the coding strand, the complement: ARSA is on the minus strand). VCF-style: chr22-50625233-C-A. GRCh37 (hg19) VCF-style: chr22-51063661-C-A.
Other names: c.1442G>T, p.Arg481Leu (NM_001085425.3, NM_001085426.3, NM_001085427.3); c.1184G>T, p.Arg395Leu (NM_001085428.3, NM_001362782.2); short protein forms R395L, R481L.
Identifiers: ClinVar variation 4072809 (VCV004072809.1).